The following continues an entry in ClinVar:

NM_001377265.1(MAPT):c.2078C>T (p.Pro693Leu)

Gene: MAPT. ClinVar aggregate classification (germline): Pathogenic. Pathogenic (12).

Submissions 11 to 15 of 15:

Human Genome Lab, NIMHANS, National Institute of Mental Health and Neuro Sciences
Classification: Pathogenic for Frontotemporal dementia. Review status: criteria provided, single submitter. Criteria: ACMG Guidelines, 2015. Collection method: clinical testing. Allele origin: germline. Inheritance: Autosomal dominant inheritance. Affected: yes. Observed: 2 variant alleles.
Comment: The p.Pro301Leu variant is novel (not in any individuals) in 1kG All. The p.Pro301Leu variant is observed in 3/1,574,190 (0.0002%) alleles from individuals of gnomAD v4 All background in gnomAD v4 All. The p.Pro301Leu variant is novel (not in any individuals) in TopMed (PM2). The gene MAPT has a low rate of benign missense variation as indicated by a high missense variants Z-Score of 3.00. The gene MAPT contains 17 pathogenic missense variants, indicating that missense variants are a common mechanism of disease in this gene (PP2). The p.Pro301Leu missense variant is predicted to be damaging by both SIFT and PolyPhen2. The nucleotide c.902 in MAPT is predicted conserved by GERP++ and PhyloP across 100 vertebrates. Alpha Missense also classifies this variant as pathogenic (PP3). The p.Pro301Leu variant is a missense mutation resulting in an amino acid change which is shared by the previously classified pathogenic variant p.P301L (PS1). The p.Pro301Leu variant is a missense mutation resulting in an amino acid change which occurs at the same amino acid position as the previously classified pathogenic variant p.P301A (PM5).For these reasons, this variant has been classified as Pathogenic. ACMG Criteria - PM2 PP2 PP3 PS1 PM5

Juno Genomics, Hangzhou Juno Genomics, Inc
Classification: Pathogenic for Frontotemporal dementia; Pick disease; Supranuclear palsy, progressive, 1; Progressive supranuclear palsy-parkinsonism syndrome; Parkinson disease, late-onset. Review status: criteria provided, single submitter. Criteria: ACMG Guidelines, 2015. Collection method: clinical testing. Allele origin: germline. Affected: yes.
Comment: Absent from controls (or at extremely low frequency if recessive) in Genome Aggregation Database, Exome Sequencing Project, 1000 Genomes Project, or Exome Aggregation Consortium.;Multiple lines of computational evidence support a deleterious effect on the gene or gene product (conservation, evolutionary, splicing impact, etc).;Patient's phenotype or family history is highly specific for a disease with a single genetic etiology.;Well-established in vitro or in vivo functional studies supportive of a damaging effect on the gene or gene product.;The prevalence of the variant in affected individuals is significantly increased compared to the prevalence in controls.;Co-segregation with disease in multiple affected family members in a gene definitively known to cause the disease.

OMIM
Classification: Pathogenic for FRONTOTEMPORAL DEMENTIA 1. Last evaluated: 2009-07-14. Review status: no assertion criteria provided. Collection method: literature only. Allele origin: germline. Not counted in ClinVar's aggregate classification.

OMIM
Classification: Pathogenic for SUPRANUCLEAR PALSY, PROGRESSIVE, 1. Last evaluated: 2009-07-14. Review status: no assertion criteria provided. Collection method: literature only. Allele origin: germline. Not counted in ClinVar's aggregate classification.

VIB  Department of Molecular Genetics, University of Antwerp
No classification provided. Review status: no classification provided. Collection method: not provided. Allele origin: unknown. Not counted in ClinVar's aggregate classification.

Literature cited by the submitters: PubMed 9641683 (cited by Labcorp Genetics (formerly Invitae), Labcorp and Mayo Clinic Laboratories, Mayo Clinic); PubMed 26220942 (cited by Labcorp Genetics (formerly Invitae), Labcorp); PubMed 27439681 (cited by Labcorp Genetics (formerly Invitae), Labcorp); PubMed 11756436 (cited by Labcorp Genetics (formerly Invitae), Labcorp); PubMed 22022446 (cited by Labcorp Genetics (formerly Invitae), Labcorp); PubMed 22723997 (cited by Labcorp Genetics (formerly Invitae), Labcorp); PubMed 25592136 (cited by Labcorp Genetics (formerly Invitae), Labcorp); PubMed 26269332 (cited by Labcorp Genetics (formerly Invitae), Labcorp and Athena Diagnostics); PubMed 26519432 (cited by Labcorp Genetics (formerly Invitae), Labcorp); PubMed 32843152 (cited by Athena Diagnostics); PubMed 10100642 (cited by Athena Diagnostics); PubMed 10214944 (cited by Athena Diagnostics); PubMed 10219785 (cited by Athena Diagnostics); PubMed 10627302 (cited by Athena Diagnostics); PubMed 10821687 (cited by Athena Diagnostics); PubMed 10932182 (cited by Athena Diagnostics); PubMed 11013246 (cited by Athena Diagnostics); PubMed 11115852 (cited by Athena Diagnostics); PubMed 12473404 (cited by Athena Diagnostics); PubMed 15489396 (cited by Athena Diagnostics); PubMed 20561037 (cited by Athena Diagnostics); PubMed 9736786 (cited by Athena Diagnostics); PubMed 28268100 (cited by Athena Diagnostics); PubMed 2273997 (cited by Genetics and Molecular Pathology, SA Pathology); PubMed 25319522 (cited by Genetics and Molecular Pathology, SA Pathology); PubMed 30528841 (cited by Genetics and Molecular Pathology, SA Pathology); PubMed 10767321 (cited by OMIM); PubMed 11402146 (cited by OMIM); PubMed 11255441 (cited by OMIM); PubMed 9629852 (cited by OMIM); PubMed 19458322 (cited by OMIM); PubMed 9789048 (cited by OMIM); PubMed 8673924 (cited by OMIM); PubMed 15831501 (cited by OMIM); PubMed 17526496 (cited by OMIM).